The following is an entry in ClinVar:

ClinVar aggregate classification (germline): Uncertain significance. Review status: criteria provided, multiple submitters, no conflicts (2 of 4 stars). 3 submissions from 3 submitters: Uncertain significance (3). Last evaluated 2024-05-03.

Conditions:
Fanconi anemia complementation group J. Also called: BRIP1-Related Fanconi Anemia. Identifiers: Orphanet 84, MedGen C1836860, MONDO:0012187, OMIM 609054.
Familial cancer of breast. Also called: BREAST CANCER, FAMILIAL; Hereditary breast cancer; hereditary breast carcinoma. Identifiers: Orphanet 227535, MedGen C0346153, MONDO:0016419, OMIM 114480. Disease mechanism: loss of function.
Hereditary cancer-predisposing syndrome. Also called: Hereditary neoplastic syndrome; Hereditary Cancer Syndrome; Tumor predisposition; Neoplastic Syndromes, Hereditary. Identifiers: Orphanet 140162, MedGen C0027672, MeSH D009386, MONDO:0015356.

Submissions (3):

Color Diagnostics, LLC DBA Color Health
Classification: Uncertain significance for Hereditary cancer-predisposing syndrome. Last evaluated: 2024-05-03. Review status: criteria provided, single submitter. Criteria: ACMG Guidelines, 2015. Collection method: clinical testing. Allele origin: germline.
Comment: This missense variant replaces glutamine with glutamic acid at codon 1069 of the BRIP1 protein. Computational prediction suggests that this variant may not impact protein structure and function. To our knowledge, functional studies have not been reported for this variant. This variant has not been reported in individuals affected with BRIP1-related disorders in the literature. This variant has not been identified in the general population by the Genome Aggregation Database (gnomAD). The available evidence is insufficient to determine the role of this variant in disease conclusively. Therefore, this variant is classified as a Variant of Uncertain Significance.

Ambry Genetics
Classification: Uncertain significance for Hereditary cancer-predisposing syndrome. Last evaluated: 2022-02-12. Review status: criteria provided, single submitter. Criteria: Ambry Variant Classification Scheme 2023. Collection method: clinical testing. Allele origin: germline.
Comment: The p.Q1069E variant (also known as c.3205C>G), located in coding exon 19 of the BRIP1 gene, results from a C to G substitution at nucleotide position 3205. The glutamine at codon 1069 is replaced by glutamic acid, an amino acid with highly similar properties. This amino acid position is conserved. In addition, this alteration is predicted to be tolerated by in silico analysis. Since supporting evidence is limited at this time, the clinical significance of this alteration remains unclear.

Labcorp Genetics (formerly Invitae), Labcorp
Classification: Uncertain significance for Familial cancer of breast; Fanconi anemia complementation group J. Last evaluated: 2022-01-07. Review status: criteria provided, single submitter. Criteria: Invitae Variant Classification Sherloc (09022015). Collection method: clinical testing. Allele origin: germline.
Comment: In summary, the available evidence is currently insufficient to determine the role of this variant in disease. Therefore, it has been classified as a Variant of Uncertain Significance. Algorithms developed to predict the effect of missense changes on protein structure and function (SIFT, PolyPhen-2, Align-GVGD) all suggest that this variant is likely to be tolerated. ClinVar contains an entry for this variant (Variation ID: 969231). This sequence change replaces glutamine, which is neutral and polar, with glutamic acid, which is acidic and polar, at codon 1069 of the BRIP1 protein (p.Gln1069Glu). This variant is not present in population databases (gnomAD no frequency). This variant has not been reported in the literature in individuals affected with BRIP1-related conditions.

NM_032043.3(BRIP1):c.3205C>G (p.Gln1069Glu)

Gene: BRIP1 (BRCA1 interacting DNA helicase 1; minus strand). Cytogenetic location: 17q23.2.
Variant type: single nucleotide variant.
Coding change: c.3205C>G on transcript NM_032043.3 (MANE Select); coding-DNA position 3205, C replaced by G.
Protein change: p.Gln1069Glu; replaces glutamine 1069 with glutamic acid.
Molecular consequence: missense variant.
Genome position (GRCh38, 1-based): chr17:61,683,841, G>C on the plus strand (C>G on the coding strand, the complement: BRIP1 is on the minus strand). VCF-style: chr17-61683841-G-C. GRCh37 (hg19) VCF-style: chr17-59761202-G-C.
Other names: short protein forms Q1069E.
Identifiers: ClinVar variation 969231 (VCV000969231.14), dbSNP rs2061316417, ClinGen allele CA400479322.